The following is an entry in ClinVar:

NM_001042492.3(NF1):c.4290G>C (p.Lys1430Asn)

Gene: NF1 (neurofibromin 1; plus strand). Cytogenetic location: 17q11.2.
Variant type: single nucleotide variant.
Coding change: c.4290G>C on transcript NM_001042492.3 (MANE Select); coding-DNA position 4290, G replaced by C.
Protein change: p.Lys1430Asn; replaces lysine 1430 with asparagine.
Molecular consequence: missense variant.
Genome position (GRCh38, 1-based): chr17:31,258,460, G>C. VCF-style: chr17-31258460-G-C. GRCh37 (hg19) VCF-style: chr17-29585478-G-C.
Other names: c.4227G>C, p.Lys1409Asn (NM_000267.4); short protein forms K1409N, K1430N.
Identifiers: ClinVar variation 1709752 (VCV001709752.3), dbSNP rs373086572, ClinGen allele CA289350592.

ClinVar aggregate classification (germline): Uncertain significance. Review status: criteria provided, multiple submitters, no conflicts (2 of 4 stars). 2 submissions from 2 submitters: Uncertain significance (2). Last evaluated 2024-08-24.

Conditions:
Neurofibromatosis, type 1 (NF1). Also called: Peripheral type neurofibromatosis; VON RECKLINGHAUSEN DISEASE; NEUROFIBROMATOSIS, TYPE I, SOMATIC; Neurofibromatosis, type I. Identifiers: Orphanet 636, MedGen C0027831, MONDO:0018975, OMIM 162200. Disease mechanism: loss of function.
Cardiovascular phenotype. Identifiers: MedGen CN230736.
Hereditary cancer-predisposing syndrome. Also called: Hereditary neoplastic syndrome; Tumor predisposition; Neoplastic Syndromes, Hereditary; Hereditary Cancer Syndrome. Identifiers: Orphanet 140162, MedGen C0027672, MeSH D009386, MONDO:0015356.

Submissions (2):

Ambry Genetics
Classification: Uncertain significance for Cardiovascular phenotype; Hereditary cancer-predisposing syndrome. Last evaluated: 2024-08-24. Review status: criteria provided, single submitter. Criteria: Ambry Variant Classification Scheme 2023. Collection method: clinical testing. Allele origin: germline.
Comment: The p.K1409N variant (also known as c.4227G>C), located in coding exon 31 of the NF1 gene, results from a G to C substitution at nucleotide position 4227. The lysine at codon 1409 is replaced by asparagine, an amino acid with similar properties. This amino acid position is conserved. In addition, the in silico prediction for this alteration is inconclusive. Based on the available evidence, the clinical significance of this variant remains unclear.

MGZ Medical Genetics Center
Classification: Uncertain significance for Neurofibromatosis, type 1. Last evaluated: 2022-08-18. Review status: criteria provided, single submitter. Criteria: ACMG Guidelines, 2015. Collection method: clinical testing. Allele origin: germline. Affected: yes. Observed: 1 variant allele.
Comment: ACMG criteria applied: PM1, PM2_SUP, PP2, BP4